The following is an entry in ClinVar:

NM_001037333.3(CYFIP2):c.2469G>A (p.Met823Ile)

Gene: CYFIP2 (cytoplasmic FMR1 interacting protein 2; plus strand). Cytogenetic location: 5q33.3.
Variant type: single nucleotide variant.
Coding change: c.2469G>A on transcript NM_001037333.3 (MANE Select); coding-DNA position 2469, G replaced by A.
Protein change: p.Met823Ile; replaces methionine 823 with isoleucine.
Molecular consequence: missense variant.
Genome position (GRCh38, 1-based): chr5:157,339,140, G>A. VCF-style: chr5-157339140-G-A. GRCh37 (hg19) VCF-style: chr5-156766148-G-A.
Other names: c.2391G>A, p.Met797Ile (NM_001291721.2); c.2544G>A, p.Met848Ile (NM_001291722.2); c.2469G>A, p.Met823Ile (NM_014376.4); short protein forms M823I, M848I, M797I.
Identifiers: ClinVar variation 4763543 (VCV004763543.2).

ClinVar aggregate classification (germline): Uncertain significance. Review status: criteria provided, multiple submitters, no conflicts (2 of 4 stars). 2 submissions from 2 submitters: Uncertain significance (2). Last evaluated 2025-10-01.

gnomAD v4.1: 8 of 1,613,928 alleles (0.0005%); highest among the groups gnomAD compares: Non-Finnish European, 0.00068%; no homozygotes.

Submissions (2):

Labcorp Genetics (formerly Invitae), Labcorp
Classification: Uncertain significance. Last evaluated: 2025-10-01. Review status: criteria provided, single submitter. Criteria: Invitae Variant Classification Sherloc (09022015). Collection method: clinical testing. Allele origin: germline.
Comment: This sequence change replaces methionine, which is neutral and non-polar, with isoleucine, which is neutral and non-polar, at codon 823 of the CYFIP2 protein (p.Met823Ile). This variant is present in population databases (no rsID available, gnomAD 0.007%). This variant has not been reported in the literature in individuals affected with CYFIP2-related conditions. Experimental studies and prediction algorithms are not available or were not evaluated, and the functional significance of this variant is currently unknown. In summary, the available evidence is currently insufficient to determine the role of this variant in disease. Therefore, it has been classified as a Variant of Uncertain Significance.

Blueprint Genetics
Classification: Uncertain significance. Last evaluated: 2023-08-28. Review status: criteria provided, single submitter. Criteria: ACMG Guidelines, 2015. Collection method: clinical testing. Allele origin: germline.